The following is an entry in ClinVar:

NM_018943.3(TUBA8):c.661C>T (p.Arg221Cys)

Gene: TUBA8 (tubulin alpha 8; plus strand). Cytogenetic location: 22q11.21.
Variant type: single nucleotide variant.
Coding change: c.661C>T on transcript NM_018943.3 (MANE Select); coding-DNA position 661, C replaced by T.
Protein change: p.Arg221Cys; replaces arginine 221 with cysteine.
Molecular consequence: missense variant.
Genome position (GRCh38, 1-based): chr22:18,126,639, C>T. VCF-style: chr22-18126639-C-T. GRCh37 (hg19) VCF-style: chr22-18609406-C-T.
Other names: c.463C>T, p.Arg155Cys (NM_001193414.2); short protein forms R221C, R155C.
Identifiers: ClinVar variation 562019 (VCV000562019.6), dbSNP rs140547351, ClinGen allele CA10093727.

ClinVar aggregate classification (germline): Uncertain significance. Review status: criteria provided, single submitter (1 of 4 stars). 2 submissions from 2 submitters: Uncertain significance (1). 1 of the submissions does not count toward it. Last evaluated 2025-03-24.

Conditions:
Polymicrogyria with optic nerve hypoplasia. Identifiers: Orphanet 250972, MedGen C2750798, MONDO:0013172.

Allele frequency attached by ClinVar (database versions not stated): ExAC 0.00002; gnomAD exomes 0.00002 and 0.00004; gnomAD 0.00003; TOPMed 0.00004; ESP Exome Variant Server 0.00008.
gnomAD v4.1: 36 of 1,614,022 alleles (0.0022%); highest among the groups gnomAD compares: Middle Eastern, 0.033%; no homozygotes.

Submissions (2):

Labcorp Genetics (formerly Invitae), Labcorp
Classification: Uncertain significance. Last evaluated: 2025-03-24. Review status: criteria provided, single submitter. Criteria: Invitae Variant Classification Sherloc (09022015). Collection method: clinical testing. Allele origin: germline.
Comment: This sequence change replaces arginine, which is basic and polar, with cysteine, which is neutral and slightly polar, at codon 221 of the TUBA8 protein (p.Arg221Cys). This variant is present in population databases (rs140547351, gnomAD 0.004%). This missense change has been observed in individual(s) with TUBA8-related condition (PMID: 38374194). ClinVar contains an entry for this variant (Variation ID: 562019). Invitae Evidence Modeling of protein sequence and biophysical properties (such as structural, functional, and spatial information, amino acid conservation, physicochemical variation, residue mobility, and thermodynamic stability) indicates that this missense variant is not expected to disrupt TUBA8 protein function with a negative predictive value of 80%. In summary, the available evidence is currently insufficient to determine the role of this variant in disease. Therefore, it has been classified as a Variant of Uncertain Significance.

Hehr Laboratory, Center for Human Genetics Regensburg
Classification: Uncertain significance for CEDNIK syndrome. Last evaluated: 2017-01-02. Review status: no assertion criteria provided. Collection method: clinical testing. Allele origin: unknown. Observed: 1 heterozygote, 2 homozygotes. Not counted in ClinVar's aggregate classification.

Literature cited by the submitters: PubMed 38374194 (cited by Labcorp Genetics (formerly Invitae), Labcorp).